The following is an entry in ClinVar:

ClinVar aggregate classification (germline): Uncertain significance. Review status: criteria provided, multiple submitters, no conflicts (2 of 4 stars). 2 submissions from 2 submitters: Uncertain significance (2). Last evaluated 2024-11-16.

Conditions:
Inborn genetic diseases. Identifiers: MedGen C0950123, MeSH D030342.
Severe myoclonic epilepsy in infancy (DRVT). Also called: SEVERE MYOCLONIC EPILEPSY OF INFANCY; DEVELOPMENTAL AND EPILEPTIC ENCEPHALOPATHY 6A; Severe Myoclonic Epilepsy in Infancy (SMEI); Epileptic encephalopathy, early infantile, 6 (Dravet syndrome); Dravet syndrome. Identifiers: Orphanet 33069, MedGen C0751122, MONDO:0100135, OMIM 607208.

Allele frequency attached by ClinVar (database versions not stated): gnomAD 0.00001.
gnomAD v4.1: 1 of 1,613,518 alleles (0.000062%); highest among the groups gnomAD compares: Non-Finnish European, 0.000085%; no homozygotes.

Submissions (2):

Ambry Genetics
Classification: Uncertain significance for Inborn genetic diseases. Last evaluated: 2024-11-16. Review status: criteria provided, single submitter. Criteria: Ambry Variant Classification Scheme 2023. Collection method: clinical testing. Allele origin: germline.

Labcorp Genetics (formerly Invitae), Labcorp
Classification: Uncertain significance for Severe myoclonic epilepsy in infancy. Last evaluated: 2022-07-14. Review status: criteria provided, single submitter. Criteria: Invitae Variant Classification Sherloc (09022015). Collection method: clinical testing. Allele origin: germline.
Comment: This variant is not present in population databases (gnomAD no frequency). This sequence change replaces alanine, which is neutral and non-polar, with threonine, which is neutral and polar, at codon 280 of the SNX27 protein (p.Ala280Thr). This variant has not been reported in the literature in individuals affected with SNX27-related conditions. In summary, the available evidence is currently insufficient to determine the role of this variant in disease. Therefore, it has been classified as a Variant of Uncertain Significance. Algorithms developed to predict the effect of missense changes on protein structure and function are either unavailable or do not agree on the potential impact of this missense change (SIFT: "Deleterious"; PolyPhen-2: "Benign"; Align-GVGD: "Class C55").

NM_001330723.2(SNX27):c.838G>A (p.Ala280Thr)

Gene: SNX27 (sorting nexin 27; plus strand). Cytogenetic location: 1q21.3.
Variant type: single nucleotide variant.
Coding change: c.838G>A on transcript NM_001330723.2 (MANE Select); coding-DNA position 838, G replaced by A.
Protein change: p.Ala280Thr; replaces alanine 280 with threonine.
Molecular consequence: missense variant.
Genome position (GRCh38, 1-based): chr1:151,662,202, G>A. VCF-style: chr1-151662202-G-A. GRCh37 (hg19) VCF-style: chr1-151634678-G-A.
Other names: c.838G>A, p.Ala280Thr (NM_030918.6); c.838G>A (NM_030918.5); short protein forms A280T.
Identifiers: ClinVar variation 1717920 (VCV001717920.7), dbSNP rs1669991933, ClinGen allele CA341961855.